The following is an entry in ClinVar:

NM_001367721.1(CASK):c.1036G>A (p.Ala346Thr)

Gene: CASK (calcium/calmodulin dependent serine protein kinase; minus strand). Cytogenetic location: Xp11.4.
Variant type: single nucleotide variant.
Coding change: c.1036G>A on transcript NM_001367721.1 (MANE Select); coding-DNA position 1036, G replaced by A.
Protein change: p.Ala346Thr; replaces alanine 346 with threonine.
Molecular consequence: missense variant.
Genome position (GRCh38, 1-based): chrX:41,610,023, C>T on the plus strand (G>A on the coding strand, the complement: CASK is on the minus strand). VCF-style: chrX-41610023-C-T. GRCh37 (hg19) VCF-style: chrX-41469276-C-T.
Other names: c.1036G>A, p.Ala346Thr (NM_001126054.3, NM_003688.4); c.1018G>A, p.Ala340Thr (NM_001126055.3, NM_001410745.1); short protein forms A340T, A346T.
Identifiers: ClinVar variation 1305706 (VCV001305706.2), dbSNP rs2147279563, ClinGen allele CA412999799.

ClinVar aggregate classification (germline): Uncertain significance (1 of 4 stars; one submission).

Submission:

GeneDx
Classification: Uncertain significance. Last evaluated: 2019-04-30. Review status: criteria provided, single submitter. Criteria: GeneDx Variant Classification Process June 2021. Collection method: clinical testing. Allele origin: germline. Affected: yes.
Comment: Not observed in large population cohorts (Lek et al., 2016); In silico analysis, which includes protein predictors and evolutionary conservation, supports a deleterious effect; Has not been previously published as pathogenic or benign to our knowledge